The following is an entry in ClinVar:

ClinVar aggregate classification (germline): Likely pathogenic (0 of 4 stars; one submission).

Conditions:
Breast-ovarian cancer, familial, susceptibility to, 1 (BROVCA1). Also called: BRCA1 Hereditary Breast and Ovarian Cancer; OVARIAN CANCER, SUSCEPTIBILITY TO. Identifiers: Orphanet 145, MedGen C2676676, MONDO:0011450, OMIM 604370. Disease mechanism: loss of function.

Submission:

Diagnostics Centre, Carl Von Ossietzky University Oldenburg
Classification: Likely pathogenic for Breast-ovarian cancer, familial, susceptibility to, 1. Last evaluated: 2025-02-07. Review status: no assertion criteria provided. Collection method: clinical testing. Allele origin: germline. Affected: yes. Observed: 1 variant allele.
Comment: The variant results in a frameshift at protein position 137 and the formation of a premature stop codon after 23 amino acids. The variant affects an exon [6/23] present in biologically relevant transcript and is predicted to cause protein truncation/absent due to nonsense mediated decay in a gene where loss-of-function is a known mechanism of disease. The variant has not yet been described in ClinVar. The variant is classified as very rare since it is absent in gnomAD v4.1.0. In summary, the variant is classified as Likely pathogenic.

NM_007294.4(BRCA1):c.409_418del (p.Leu137fs)

Gene: BRCA1 (BRCA1 DNA repair associated; minus strand). Cytogenetic location: 17q21.31.
Variant type: Deletion.
Coding change: c.409_418del on transcript NM_007294.4 (MANE Select); coding-DNA positions 409 to 418, 10 bases deleted (CTTCTACAGA; older notation c.409_418delCTTCTACAGA).
Protein change: p.Leu137fs; shifts the reading frame from leucine 137.
Molecular consequence: frameshift variant. On other transcripts: intron variant (2).
Genome position (GRCh38, 1-based): chr17:43,104,145-43,104,154, TCTGTAGAAG deleted on the plus strand (CTTCTACAGA on the coding strand, the reverse complement: BRCA1 is on the minus strand); deleting any 10 consecutive bases within chr17:43,104,145-43,104,157 gives the same sequence; the c. name uses the placement nearest the transcript's 3' end. VCF-style (leftmost placement, unchanged base first): chr17-43104144-CTCTGTAGAAG-C. GRCh37 (hg19) VCF-style: chr17-41256161-CTCTGTAGAAG-C.
Other names: c.331_340del, p.Leu111fs (NM_001407662.1, NM_001407663.1, NM_001407655.1 and 21 more transcripts); c.409_418del, p.Leu137fs (NM_001407664.1, NM_001407665.1, NM_001407666.1 and 164 more transcripts); c.268_277del, p.Leu90fs (NM_001407692.1, NM_001407694.1, NM_001407695.1 and 99 more transcripts); c.199_208del, p.Leu67fs (NM_001407853.1, NM_001407946.1, NM_001407947.1 and 58 more transcripts); c.400_409del, p.Leu134fs (NM_001407646.1, NM_001407647.1, NM_001408408.1); c.-218-9294_-218-9285del (NM_001407967.1, NM_001407966.1); c.277_286del, p.Leu93fs (NM_001408451.1); c.28_37del, p.Leu10fs (NM_001408510.1, NM_001408512.1, NM_001407959.1 and 4 more transcripts); short protein forms L10fs, L111fs, L134fs, L137fs, L67fs, L90fs, L93fs.
Identifiers: ClinVar variation 3899233 (VCV003899233.1).
Genomic context (GRCh38, chr17:43,104,144, plus strand): 5'-AAGAAGAAGAAGAAGAAGAAGAAAACAAATGGTTTTACCAAGGAAGGATTTTCGGGTTCA[CTCTGTAGAAG>C]TCTTTTGGCACGGTTTCTGTAGCCCATACTTTGGATGATAGAAACTTCATCTTTTAGATG-3'